The following is an entry in ClinVar:

ClinVar aggregate classification (germline): Uncertain significance (1 of 4 stars; one submission).

Conditions:
Intellectual developmental disorder, autosomal dominant 1. Also called: MBD5 Haploinsufficiency; Intellectual disability, autosomal dominant 1. Identifiers: Orphanet 228402, MedGen C1969562, MONDO:0007974, OMIM 156200.

Allele frequency attached by ClinVar (database versions not stated): gnomAD exomes 0.00001; ExAC 0.00002.
gnomAD v4.1: 19 of 1,613,924 alleles (0.0012%); highest among the groups gnomAD compares: East Asian, 0.0022%; no homozygotes.

Submission:

Labcorp Genetics (formerly Invitae), Labcorp
Classification: Uncertain significance for Intellectual developmental disorder, autosomal dominant 1. Last evaluated: 2025-12-10. Review status: criteria provided, single submitter. Criteria: Invitae Variant Classification Sherloc (09022015). Collection method: clinical testing. Allele origin: germline.
Comment: This sequence change replaces glutamine, which is neutral and polar, with arginine, which is basic and polar, at codon 591 of the MBD5 protein (p.Gln591Arg). This variant is present in population databases (rs748561706, gnomAD 0.006%). This variant has not been reported in the literature in individuals affected with MBD5-related conditions. ClinVar contains an entry for this variant (Variation ID: 2915031). Invitae Evidence Modeling of protein sequence and biophysical properties (such as structural, functional, and spatial information, amino acid conservation, physicochemical variation, residue mobility, and thermodynamic stability) has been performed for this missense variant. However, the output from this modeling did not meet the statistical confidence thresholds required to predict the impact of this variant on MBD5 protein function. In summary, the available evidence is currently insufficient to determine the role of this variant in disease. Therefore, it has been classified as a Variant of Uncertain Significance.

NM_001378120.1(MBD5):c.1772A>G (p.Gln591Arg)

Gene: MBD5 (methyl-CpG binding domain protein 5; plus strand). Cytogenetic location: 2q23.1.
Variant type: single nucleotide variant.
Coding change: c.1772A>G on transcript NM_001378120.1 (MANE Select); coding-DNA position 1772, A replaced by G.
Protein change: p.Gln591Arg; replaces glutamine 591 with arginine.
Molecular consequence: missense variant.
Genome position (GRCh38, 1-based): chr2:148,469,715, A>G. VCF-style: chr2-148469715-A-G. GRCh37 (hg19) VCF-style: chr2-149227284-A-G.
Other names: c.1772A>G, p.Gln591Arg (NM_018328.5); short protein forms Q591R.
Identifiers: ClinVar variation 2915031 (VCV002915031.3), dbSNP rs748561706, ClinGen allele CA1900053.